The following is an entry in ClinVar:

NM_014844.5(TECPR2):c.4219G>A (p.Glu1407Lys)

Gene: TECPR2 (tectonin beta-propeller repeat containing 2; plus strand). Cytogenetic location: 14q32.31.
Variant type: single nucleotide variant.
Coding change: c.4219G>A on transcript NM_014844.5 (MANE Select); coding-DNA position 4219, G replaced by A.
Protein change: p.Glu1407Lys; replaces glutamic acid 1407 with lysine.
Molecular consequence: missense variant.
Genome position (GRCh38, 1-based): chr14:102,498,240, G>A. VCF-style: chr14-102498240-G-A. GRCh37 (hg19) VCF-style: chr14-102964577-G-A.
Other names: short protein forms E1407K.
Identifiers: ClinVar variation 2900089 (VCV002900089.2), dbSNP rs370715258, ClinGen allele CA7358498.

ClinVar aggregate classification (germline): Uncertain significance (1 of 4 stars; one submission).

Conditions:
Hereditary spastic paraplegia 49 (HSAN9). Also called: Spastic paraplegia 49, autosomal recessive; TECPR2-Related Hereditary Sensory and Autonomic Neuropathy with Intellectual Disability; NEUROPATHY, HEREDITARY SENSORY AND AUTONOMIC, TYPE IX, WITH DEVELOPMENTAL DELAY. Identifiers: Orphanet 320385, MedGen C5190860, MONDO:0014016, OMIM 615031.

Allele frequency attached by ClinVar (database versions not stated): ExAC 0.00001; TOPMed 0.00001; gnomAD exomes 0.00002; ESP Exome Variant Server 0.00008.
gnomAD v4.1: 28 of 1,602,818 alleles (0.0017%); highest among the groups gnomAD compares: Non-Finnish European, 0.0023%; no homozygotes.

Submission:

Labcorp Genetics (formerly Invitae), Labcorp
Classification: Uncertain significance for Hereditary spastic paraplegia 49. Last evaluated: 2023-12-01. Review status: criteria provided, single submitter. Criteria: Invitae Variant Classification Sherloc (09022015). Collection method: clinical testing. Allele origin: germline.
Comment: This sequence change replaces glutamic acid, which is acidic and polar, with lysine, which is basic and polar, at codon 1407 of the TECPR2 protein (p.Glu1407Lys). This variant is present in population databases (rs370715258, gnomAD 0.002%). This variant has not been reported in the literature in individuals affected with TECPR2-related conditions. An algorithm developed to predict the effect of missense changes on protein structure and function (PolyPhen-2) suggests that this variant is likely to be disruptive. In summary, the available evidence is currently insufficient to determine the role of this variant in disease. Therefore, it has been classified as a Variant of Uncertain Significance.